The following is an entry in ClinVar:

ClinVar aggregate classification (germline): Uncertain significance (1 of 4 stars; one submission).

Conditions:
Cohen syndrome (COH1). Also called: Cutis verticis gyrata, retinitis pigmentosa, and sensorineural deafness; PEPPER SYNDROME. Identifiers: Orphanet 193, MedGen C0265223, MONDO:0008999, OMIM 216550.

Submission:

Labcorp Genetics (formerly Invitae), Labcorp
Classification: Uncertain significance for Cohen syndrome. Last evaluated: 2024-01-06. Review status: criteria provided, single submitter. Criteria: Invitae Variant Classification Sherloc (09022015). Collection method: clinical testing. Allele origin: germline.
Comment: This sequence change replaces cysteine, which is neutral and slightly polar, with tyrosine, which is neutral and polar, at codon 1077 of the VPS13B protein (p.Cys1077Tyr). This variant is not present in population databases (gnomAD no frequency). This variant has not been reported in the literature in individuals affected with VPS13B-related conditions. Advanced modeling of protein sequence and biophysical properties (such as structural, functional, and spatial information, amino acid conservation, physicochemical variation, residue mobility, and thermodynamic stability) performed at Invitae indicates that this missense variant is expected to disrupt VPS13B protein function with a positive predictive value of 80%. In summary, the available evidence is currently insufficient to determine the role of this variant in disease. Therefore, it has been classified as a Variant of Uncertain Significance.

NM_152564.5(VPS13B):c.3230G>A (p.Cys1077Tyr)

Gene: VPS13B (vacuolar protein sorting 13 homolog B; plus strand). Cytogenetic location: 8q22.2.
Variant type: single nucleotide variant.
Coding change: c.3230G>A on transcript NM_152564.5 (MANE Select); coding-DNA position 3230, G replaced by A.
Protein change: p.Cys1077Tyr; replaces cysteine 1077 with tyrosine.
Molecular consequence: missense variant.
Genome position (GRCh38, 1-based): chr8:99,442,420, G>A. VCF-style: chr8-99442420-G-A. GRCh37 (hg19) VCF-style: chr8-100454648-G-A.
Other names: c.3230G>A, p.Cys1077Tyr (NM_017890.5); short protein forms C1077Y.
Identifiers: ClinVar variation 2707908 (VCV002707908.3), dbSNP rs2490161652, ClinGen allele CA371870370.